The following is an entry in ClinVar:

NM_000135.4(FANCA):c.1245G>A (p.Met415Ile)

Gene: FANCA (FA complementation group A; minus strand). Cytogenetic location: 16q24.3.
Variant type: single nucleotide variant.
Coding change: c.1245G>A on transcript NM_000135.4 (MANE Select); coding-DNA position 1245, G replaced by A.
Protein change: p.Met415Ile; replaces methionine 415 with isoleucine.
Molecular consequence: missense variant.
Genome position (GRCh38, 1-based): chr16:89,791,517, C>T on the plus strand (G>A on the coding strand, the complement: FANCA is on the minus strand). VCF-style: chr16-89791517-C-T. GRCh37 (hg19) VCF-style: chr16-89857925-C-T.
Other names: c.1245G>A, p.Met415Ile (NM_001286167.3); short protein forms M415I.
Identifiers: ClinVar variation 439687 (VCV000439687.13), dbSNP rs1555561439, ClinGen allele CA397464481.
Genomic context (GRCh38, chr16:89,791,517, plus strand): 5'-GCGCACAACCAGGAACGCAGTGACCATGCTGTCCAGCTGGCAGCTCTCGAATGCCTGGGC[C>T]ATCAAACGCGCCACCCAGTCTAGTTAAGAACCATGACATAGTCACAGCAAGGCAAGGGCA-3'
Protein context (NP_000126.2, residues 405-425): QLLEDWVARL[Met415Ile]AQAFESCQLD

ClinVar aggregate classification (germline): Uncertain significance. Review status: criteria provided, multiple submitters, no conflicts (2 of 4 stars). 2 submissions from 2 submitters: Uncertain significance (2). Last evaluated 2022-03-15.

Conditions:
Fanconi anemia (FA). Also called: Fanconi's anemia. Identifiers: Orphanet 84, MedGen C0015625, MeSH D005199, MONDO:0019391.

Submissions (2):

Labcorp Genetics (formerly Invitae), Labcorp
Classification: Uncertain significance for Fanconi anemia. Last evaluated: 2022-03-15. Review status: criteria provided, single submitter. Criteria: Invitae Variant Classification Sherloc (09022015). Collection method: clinical testing. Allele origin: germline.
Comment: This sequence change replaces methionine, which is neutral and non-polar, with isoleucine, which is neutral and non-polar, at codon 415 of the FANCA protein (p.Met415Ile). This variant is not present in population databases (gnomAD no frequency). This variant has not been reported in the literature in individuals affected with FANCA-related conditions. ClinVar contains an entry for this variant (Variation ID: 439687). Advanced modeling of protein sequence and biophysical properties (such as structural, functional, and spatial information, amino acid conservation, physicochemical variation, residue mobility, and thermodynamic stability) performed at Invitae indicates that this missense variant is not expected to disrupt FANCA protein function. Algorithms developed to predict the effect of sequence changes on RNA splicing suggest that this variant may disrupt the consensus splice site. In summary, the available evidence is currently insufficient to determine the role of this variant in disease. Therefore, it has been classified as a Variant of Uncertain Significance.

ARUP Laboratories, Molecular Genetics and Genomics, ARUP Laboratories
Classification: Uncertain significance. Last evaluated: 2016-09-16. Review status: criteria provided, single submitter. Criteria: ARUP Molecular Germline Variant Investigation Process. Collection method: clinical testing. Allele origin: germline.